The following is an entry in ClinVar:

ClinVar aggregate classification (germline): Uncertain significance (1 of 4 stars; one submission).

Allele frequency attached by ClinVar (database versions not stated): gnomAD exomes 0.00001; ExAC 0.00023.

Submission:

Labcorp Genetics (formerly Invitae), Labcorp
Classification: Uncertain significance. Last evaluated: 2022-11-28. Review status: criteria provided, single submitter. Criteria: Invitae Variant Classification Sherloc (09022015). Collection method: clinical testing. Allele origin: germline.
Comment: The frequency data for this variant in the population databases is considered unreliable, as metrics indicate poor data quality at this position in the gnomAD database. This sequence change replaces proline with alanine at codon 126 of the FOXI3 protein (p.Pro126Ala). The proline residue is weakly conserved and there is a small physicochemical difference between proline and alanine. This variant has not been reported in the literature in individuals affected with FOXI3-related conditions. ClinVar contains an entry for this variant (Variation ID: 1523450). Experimental studies and prediction algorithms are not available or were not evaluated, and the functional significance of this variant is currently unknown. In summary, the available evidence is currently insufficient to determine the role of this variant in disease. Therefore, it has been classified as a Variant of Uncertain Significance.

NM_001135649.3(FOXI3):c.376C>G (p.Pro126Ala)

Gene: FOXI3 (forkhead box I3; minus strand). Cytogenetic location: 2p11.2.
Variant type: single nucleotide variant.
Coding change: c.376C>G on transcript NM_001135649.3 (MANE Select); coding-DNA position 376, C replaced by G.
Protein change: p.Pro126Ala; replaces proline 126 with alanine.
Molecular consequence: missense variant.
Genome position (GRCh38, 1-based): chr2:88,452,160, G>C on the plus strand (C>G on the coding strand, the complement: FOXI3 is on the minus strand). VCF-style: chr2-88452160-G-C. GRCh37 (hg19) VCF-style: chr2-88751679-G-C.
Other names: short protein forms P126A.
Identifiers: ClinVar variation 1523450 (VCV001523450.6), dbSNP rs757202149, ClinGen allele CA1754046.
Genomic context (GRCh38, chr2:88,452,160, plus strand): 5'-GCCGCACCATCTTCATCAGGTCCTCGCGGCTGGCCATGGACAGCCAGCCCAGCTCCCCGG[G>C]CCCCGCGGGCGCGGCGGGCGAGGCGGGCGCGGCGGGCGCGGGCTGCGCGAAGGGCCGCTG-3'
Protein context (NP_001129121.1, residues 116-136): APASPAAPAG[Pro126Ala]GELGWLSMAS